The following is an entry in ClinVar:

NM_020812.4(DOCK6):c.5681G>A (p.Arg1894Gln)

Gene: DOCK6 (dedicator of cytokinesis 6; minus strand). Cytogenetic location: 19p13.2.
Variant type: single nucleotide variant.
Coding change: c.5681G>A on transcript NM_020812.4 (MANE Select); coding-DNA position 5681, G replaced by A.
Protein change: p.Arg1894Gln; replaces arginine 1894 with glutamine.
Molecular consequence: missense variant.
Genome position (GRCh38, 1-based): chr19:11,201,896, C>T on the plus strand (G>A on the coding strand, the complement: DOCK6 is on the minus strand). VCF-style: chr19-11201896-C-T. GRCh37 (hg19) VCF-style: chr19-11312572-C-T.
Other names: c.5786G>A, p.Arg1929Gln (NM_001367830.1); c.5681G>A (NM_020812.2); short protein forms R1894Q, R1929Q.
Identifiers: ClinVar variation 2178157 (VCV002178157.5), dbSNP rs774273979, ClinGen allele CA305302350.

ClinVar aggregate classification (germline): Uncertain significance. Review status: criteria provided, multiple submitters, no conflicts (2 of 4 stars). 2 submissions from 2 submitters: Uncertain significance (2). Last evaluated 2023-12-28.

Conditions:
Inborn genetic diseases. Identifiers: MedGen C0950123, MeSH D030342.

Allele frequency attached by ClinVar (database versions not stated): TOPMed 0.00005; gnomAD 0.00001.
gnomAD v4.1: 40 of 1,564,770 alleles (0.0026%); highest among the groups gnomAD compares: Middle Eastern, 0.15%; no homozygotes.

Submissions (3):

Ambry Genetics
Classification: Uncertain significance for Inborn genetic diseases. Last evaluated: 2023-12-28. Review status: criteria provided, single submitter. Criteria: Ambry Variant Classification Scheme 2023. Collection method: clinical testing. Allele origin: germline.

Labcorp Genetics (formerly Invitae), Labcorp
Classification: Uncertain significance. Last evaluated: 2022-03-19. Review status: criteria provided, single submitter. Criteria: Invitae Variant Classification Sherloc (09022015). Collection method: clinical testing. Allele origin: germline.
Comment: This variant has not been reported in the literature in individuals affected with DOCK6-related conditions. Algorithms developed to predict the effect of missense changes on protein structure and function are either unavailable or do not agree on the potential impact of this missense change (SIFT: "Deleterious"; PolyPhen-2: "Possibly Damaging"; Align-GVGD: "Class C0"). Algorithms developed to predict the effect of sequence changes on RNA splicing suggest that this variant may disrupt the consensus splice site. In summary, the available evidence is currently insufficient to determine the role of this variant in disease. Therefore, it has been classified as a Variant of Uncertain Significance. This variant is present in population databases (rs774273979, gnomAD 0.008%). This sequence change replaces arginine, which is basic and polar, with glutamine, which is neutral and polar, at codon 1894 of the DOCK6 protein (p.Arg1894Gln).

Dr. Peter K. Rogan Lab, Western University
No classification provided (evidence only). Condition: Malignant tumor of urinary bladder. Review status: no classification provided. Collection method: in vitro. Allele origin: not applicable. Functional consequence: retained intron. Not counted in ClinVar's aggregate classification.